The following is an entry in ClinVar:

ClinVar aggregate classification (germline): Uncertain significance (1 of 4 stars; one submission).

Conditions:
Epileptic encephalopathy. Identifiers: MedGen C0543888, HP:0200134.

Submission:

Labcorp Genetics (formerly Invitae), Labcorp
Classification: Uncertain significance for Epileptic encephalopathy. Last evaluated: 2022-04-01. Review status: criteria provided, single submitter. Criteria: Invitae Variant Classification Sherloc (09022015). Collection method: clinical testing. Allele origin: germline.
Comment: This variant is not present in population databases (gnomAD no frequency). In summary, the available evidence is currently insufficient to determine the role of this variant in disease. Therefore, it has been classified as a Variant of Uncertain Significance. Algorithms developed to predict the effect of missense changes on protein structure and function output the following: SIFT: "Tolerated"; PolyPhen-2: "Benign"; Align-GVGD: "Class C0". The arginine amino acid residue is found in multiple mammalian species, which suggests that this missense change does not adversely affect protein function. This variant has not been reported in the literature in individuals affected with GABBR2-related conditions. This sequence change replaces lysine, which is basic and polar, with arginine, which is basic and polar, at codon 627 of the GABBR2 protein (p.Lys627Arg).

NM_005458.8(GABBR2):c.1880A>G (p.Lys627Arg)

Gene: GABBR2 (gamma-aminobutyric acid type B receptor subunit 2; minus strand). Cytogenetic location: 9q22.33.
Variant type: single nucleotide variant.
Coding change: c.1880A>G on transcript NM_005458.8 (MANE Select); coding-DNA position 1880, A replaced by G.
Protein change: p.Lys627Arg; replaces lysine 627 with arginine.
Molecular consequence: missense variant.
Genome position (GRCh38, 1-based): chr9:98,362,728, T>C on the plus strand (A>G on the coding strand, the complement: GABBR2 is on the minus strand). VCF-style: chr9-98362728-T-C. GRCh37 (hg19) VCF-style: chr9-101125010-T-C.
Other names: short protein forms K627R.
Identifiers: ClinVar variation 2120569 (VCV002120569.4), dbSNP rs2491358903, ClinGen allele CA374212175.